The following is an entry in ClinVar:

ClinVar aggregate classification (germline): Uncertain significance. Review status: criteria provided, multiple submitters, no conflicts (2 of 4 stars). 2 submissions from 2 submitters: Uncertain significance (2). Last evaluated 2025-10-01.

Conditions:
Inborn genetic diseases. Identifiers: MedGen C0950123, MeSH D030342.

gnomAD v4.1: 9 of 1,069,042 alleles (0.00084%); highest among the groups gnomAD compares: Admixed American, 0.0055%; no homozygotes.

Submissions (2):

Labcorp Genetics (formerly Invitae), Labcorp
Classification: Uncertain significance. Last evaluated: 2025-10-01. Review status: criteria provided, single submitter. Criteria: Invitae Variant Classification Sherloc (09022015). Collection method: clinical testing. Allele origin: germline.
Comment: This sequence change replaces glycine, which is neutral and non-polar, with arginine, which is basic and polar, at codon 953 of the GRIN2D protein (p.Gly953Arg). The frequency data for this variant in the population databases is considered unreliable, as metrics indicate insufficient coverage at this position in the gnomAD database. This variant has not been reported in the literature in individuals affected with GRIN2D-related conditions. ClinVar contains an entry for this variant (Variation ID: 1353204). Invitae Evidence Modeling of protein sequence and biophysical properties (such as structural, functional, and spatial information, amino acid conservation, physicochemical variation, residue mobility, and thermodynamic stability) indicates that this missense variant is not expected to disrupt GRIN2D protein function with a negative predictive value of 95%. In summary, the available evidence is currently insufficient to determine the role of this variant in disease. Therefore, it has been classified as a Variant of Uncertain Significance.

Ambry Genetics
Classification: Uncertain significance for Inborn genetic diseases. Last evaluated: 2021-09-16. Review status: criteria provided, single submitter. Criteria: Ambry Variant Classification Scheme 2023. Collection method: clinical testing. Allele origin: germline.

NM_000836.4(GRIN2D):c.2857G>C (p.Gly953Arg)

Gene: GRIN2D (glutamate ionotropic receptor NMDA type subunit 2D; plus strand). Cytogenetic location: 19q13.33.
Variant type: single nucleotide variant.
Coding change: c.2857G>C on transcript NM_000836.4 (MANE Select); coding-DNA position 2857, G replaced by C.
Protein change: p.Gly953Arg; replaces glycine 953 with arginine.
Molecular consequence: missense variant.
Genome position (GRCh38, 1-based): chr19:48,442,783, G>C. VCF-style: chr19-48442783-G-C. GRCh37 (hg19) VCF-style: chr19-48946040-G-C.
Other names: c.2857G>C (NM_000836.2); short protein forms G953R.
Identifiers: ClinVar variation 1353204 (VCV001353204.9), dbSNP rs1439587535, ClinGen allele CA406673997.